The following is an entry in ClinVar:

NM_001128227.3(GNE):c.32C>T (p.Ser11Leu)

Gene: GNE (glucosamine (UDP-N-acetyl)-2-epimerase/N-acetylmannosamine kinase; minus strand). Cytogenetic location: 9p13.3.
Variant type: single nucleotide variant.
Coding change: c.32C>T on transcript NM_001128227.3 (MANE Plus Clinical); coding-DNA position 32, C replaced by T.
Protein change: p.Ser11Leu; replaces serine 11 with leucine.
Molecular consequence: missense variant. On other transcripts: 5 prime UTR variant (1).
Genome position (GRCh38, 1-based): chr9:36,276,913, G>A on the plus strand (C>T on the coding strand, the complement: GNE is on the minus strand). VCF-style: chr9-36276913-G-A. GRCh37 (hg19) VCF-style: chr9-36276910-G-A.
Other names: c.-33C>T (NM_001190388.2); short protein forms S11L.
Identifiers: ClinVar variation 2946677 (VCV002946677.4), dbSNP rs866191308, ClinGen allele CA192854367.
Genomic context (GRCh38, chr9:36,276,913, plus strand): 5'-AATTTCAATAATAAAGCTCTATTGAATTCCGAATTACTTACATGAGGTCCTTGAAAGCAT[G>A]ACTCCCTCTGCAGATAACCATAGGTTTCCATCCCGAAGCACGAGCTCTGTACCCTAGTGT-3'
Protein context (NP_001121699.1, residues 1-21): METYGYLQRE[Ser11Leu]CFQGPHELYF

ClinVar aggregate classification (germline): Uncertain significance. Review status: criteria provided, multiple submitters, no conflicts (2 of 4 stars). 2 submissions from 2 submitters: Uncertain significance (2). Last evaluated 2023-10-30.

Conditions:
Sialuria. Also called: SIALURIA, FRENCH TYPE; Sialic Acid Storage Disease. Identifiers: Orphanet 3166, MedGen C0342853, MONDO:0010028, OMIM 269921.
GNE myopathy (NM). Also called: INCLUSION BODY MYOPATHY, HEREDITARY, AUTOSOMAL RECESSIVE; INCLUSION BODY MYOPATHY 2, AUTOSOMAL RECESSIVE; MYOPATHY, DISTAL, WITH OR WITHOUT RIMMED VACUOLES; IBM 2; Inclusion body myopathy autosomal recessive; Inclusion body myopathy quadriceps sparing. Identifiers: Orphanet 602, MedGen C1853926, MONDO:0011603, OMIM 605820.

Allele frequency attached by ClinVar (database versions not stated): TOPMed below 0.00001; gnomAD exomes 0.00001.
gnomAD v4.1: 8 of 1,612,062 alleles (0.0005%); highest among the groups gnomAD compares: Middle Eastern, 0.12%; no homozygotes.

Submissions (2):

Labcorp Genetics (formerly Invitae), Labcorp
Classification: Uncertain significance for Sialuria; GNE myopathy. Last evaluated: 2023-10-30. Review status: criteria provided, single submitter. Criteria: Invitae Variant Classification Sherloc (09022015). Collection method: clinical testing. Allele origin: germline.
Comment: This sequence change replaces serine, which is neutral and polar, with leucine, which is neutral and non-polar, at codon 11 of the GNE protein (p.Ser11Leu). This variant is present in population databases (no rsID available, gnomAD no frequency). This variant has not been reported in the literature in individuals affected with GNE-related conditions. Advanced modeling of protein sequence and biophysical properties (such as structural, functional, and spatial information, amino acid conservation, physicochemical variation, residue mobility, and thermodynamic stability) performed at Invitae indicates that this missense variant is not expected to disrupt GNE protein function with a negative predictive value of 95%. In summary, the available evidence is currently insufficient to determine the role of this variant in disease. Therefore, it has been classified as a Variant of Uncertain Significance.

Blueprint Genetics
Classification: Uncertain significance. Last evaluated: 2017-09-01. Review status: criteria provided, single submitter. Criteria: ACMG Guidelines, 2015. Collection method: clinical testing. Allele origin: germline.